The following is an entry in ClinVar:

NM_003072.5(SMARCA4):c.2123+12C>T

Gene: SMARCA4 (SWI/SNF related BAF chromatin remodeling complex subunit ATPase 4; plus strand). Cytogenetic location: 19p13.2.
Variant type: single nucleotide variant.
Coding change: c.2123+12C>T on transcript NM_003072.5 (MANE Select); 12 bases into the intron after coding-DNA position 2123, C replaced by T.
Molecular consequence: intron variant.
Genome position (GRCh38, 1-based): chr19:11,008,035, C>T. VCF-style: chr19-11008035-C-T. GRCh37 (hg19) VCF-style: chr19-11118711-C-T.
Other names: c.2123+12C>T (NM_001128844.3, NM_001128849.3, NM_001128847.4 and 6 more transcripts).
Identifiers: ClinVar variation 328028 (VCV000328028.19), dbSNP rs17001090, ClinGen allele CA9204013.

ClinVar aggregate classification (germline): Benign. Review status: criteria provided, multiple submitters, no conflicts (2 of 4 stars). 9 submissions from 9 submitters: Benign (7). 2 of the submissions do not count toward it. Last evaluated 2026-02-04.

Conditions:
Intellectual disability, autosomal dominant 16 (CSS4). Also called: COFFIN-SIRIS SYNDROME 4. Identifiers: Orphanet 1465, MedGen C3553249, MONDO:0013821, OMIM 614609.
Coffin-Siris syndrome. Identifiers: Orphanet 1465, MedGen C0265338, MONDO:0015452.
Rhabdoid tumor predisposition syndrome 2 (RTPS2). Identifiers: Orphanet 231108, Orphanet 69077, MedGen C2750074, MONDO:0013224, OMIM 613325.
Hereditary nonpolyposis colon cancer (HNPCC). Also called: Hereditary nonpolyposis colorectal cancer; Familial nonpolyposis colon cancer; Hereditary Nonpolyposis Colorectal Cancer Syndrome. Identifiers: Orphanet 443909, MedGen C1333990, MONDO:0018630. Disease mechanism: loss of function.
Hereditary cancer-predisposing syndrome. Also called: Neoplastic Syndromes, Hereditary; Tumor predisposition; Hereditary neoplastic syndrome; Hereditary Cancer Syndrome. Identifiers: Orphanet 140162, MedGen C0027672, MeSH D009386, MONDO:0015356.

Allele frequency attached by ClinVar (database versions not stated): 1000 Genomes Project 0.01418; 1000 Genomes Project 30x 0.01499; gnomAD exomes 0.02487 and 0.03751; ExAC 0.02745; gnomAD 0.02912 and 0.03024; TOPMed 0.02938; ESP Exome Variant Server 0.03491.
gnomAD v4.1: 59,045 of 1,610,904 alleles (3.7%); highest among the groups gnomAD compares: Non-Finnish European, 4.4%; 1,371 homozygotes.

Submissions (9):

Labcorp Genetics (formerly Invitae), Labcorp
Classification: Benign for Rhabdoid tumor predisposition syndrome 2. Last evaluated: 2026-02-04. Review status: criteria provided, single submitter. Criteria: Invitae Variant Classification Sherloc (09022015). Collection method: clinical testing. Allele origin: germline.

Department of Pathology and Laboratory Medicine, Sinai Health System
Classification: Benign for hereditary nonpolyposis colon cancer. Last evaluated: 2022-06-21. Review status: criteria provided, single submitter. Criteria: ACMG Guidelines, 2015. Collection method: clinical testing. Allele origin: germline. Affected: yes.

Genome-Nilou Lab
Classification: Benign for Intellectual disability, autosomal dominant 16. Last evaluated: 2021-07-15. Review status: criteria provided, single submitter. Criteria: ACMG Guidelines, 2015. Collection method: clinical testing. Allele origin: germline. Affected: no.

Illumina Laboratory Services, Illumina
Classification: Benign for Coffin-Siris syndrome. Last evaluated: 2018-01-13. Review status: criteria provided, single submitter. Criteria: ICSL Variant Classification Criteria 13 December 2019. Collection method: clinical testing. Allele origin: germline.
Comment: This variant was observed in the ICSL laboratory as part of a predisposition screen in an ostensibly healthy population. It had not been previously curated by ICSL or reported in the Human Gene Mutation Database (HGMD: prior to June 1st, 2018), and was therefore a candidate for classification through an automated scoring system. Utilizing variant allele frequency, disease prevalence and penetrance estimates, and inheritance mode, an automated score was calculated to assess if this variant is too frequent to cause the disease. Based on the score and internal cut-off values, a variant classified as benign is not then subjected to further curation. The score for this variant resulted in a classification of benign for this disease.

GeneDx
Classification: Benign. Last evaluated: 2017-06-30. Review status: criteria provided, single submitter. Criteria: GeneDx Variant Classification (06012015). Collection method: clinical testing. Allele origin: germline. Affected: yes.
Comment: This variant is considered likely benign or benign based on one or more of the following criteria: it is a conservative change, it occurs at a poorly conserved position in the protein, it is predicted to be benign by multiple in silico algorithms, and/or has population frequency not consistent with disease.

Ambry Genetics
Classification: Benign for Hereditary cancer-predisposing syndrome. Last evaluated: 2015-05-20. Review status: criteria provided, single submitter. Criteria: Ambry Variant Classification Scheme 2023. Collection method: clinical testing. Allele origin: germline.

Breakthrough Genomics
Classification: Benign. Review status: criteria provided, single submitter. Criteria: ACMG Guidelines, 2015. Collection method: not provided. Allele origin: germline. Inheritance: Autosomal dominant inheritance. Affected: yes.

Genome Diagnostics Laboratory, Amsterdam University Medical Center
Classification: Benign. Review status: no assertion criteria provided. Collection method: clinical testing. Allele origin: germline. Affected: yes. Study: VKGL Data-share Consensus. Not counted in ClinVar's aggregate classification.

Laboratory of Diagnostic Genome Analysis, Leiden University Medical Center (LUMC)
Classification: Benign. Review status: no assertion criteria provided. Collection method: clinical testing. Allele origin: germline. Affected: yes. Study: VKGL Data-share Consensus. Not counted in ClinVar's aggregate classification.